The following is an entry in ClinVar:

NM_032482.3(DOT1L):c.1072A>G (p.Lys358Glu)

Gene: DOT1L (DOT1 like histone lysine methyltransferase; plus strand). Cytogenetic location: 19p13.3.
Variant type: single nucleotide variant.
Coding change: c.1072A>G on transcript NM_032482.3 (MANE Select); coding-DNA position 1072, A replaced by G.
Protein change: p.Lys358Glu; replaces lysine 358 with glutamic acid.
Molecular consequence: missense variant.
Genome position (GRCh38, 1-based): chr19:2,210,466, A>G. VCF-style: chr19-2210466-A-G. GRCh37 (hg19) VCF-style: chr19-2210465-A-G.
Other names: c.1072A>G, p.Lys358Glu (NM_001411141.1); short protein forms K358E.
Identifiers: ClinVar variation 3378119 (VCV003378119.1).

ClinVar aggregate classification (germline): Uncertain significance (1 of 4 stars; one submission).

gnomAD v4.1: 2 of 1,591,896 alleles (0.00013%); highest among the groups gnomAD compares: Non-Finnish European, 0.00017%; no homozygotes.

Submission:

GeneDx
Classification: Uncertain significance. Last evaluated: 2024-05-08. Review status: criteria provided, single submitter. Criteria: GeneDx Variant Classification Process June 2021. Collection method: clinical testing. Allele origin: germline. Affected: yes.
Comment: Not observed at significant frequency in large population cohorts (gnomAD); In silico analysis indicates that this missense variant does not alter protein structure/function; Has not been previously published as pathogenic or benign to our knowledge